The following is an entry in ClinVar:

ClinVar aggregate classification (germline): Uncertain significance. Review status: criteria provided, multiple submitters, no conflicts (2 of 4 stars). 2 submissions from 2 submitters: Uncertain significance (2). Last evaluated 2026-07-30.

Conditions:
SAMD9-related disorder. Also called: SAMD9-related condition.
Inborn genetic diseases. Identifiers: MedGen C0950123, MeSH D030342.

Submissions (2):

PreventionGenetics, part of Exact Sciences
Classification: Uncertain significance for SAMD9-related condition. Last evaluated: 2026-07-30. Review status: criteria provided, single submitter. Criteria: ACMG Guidelines, 2015. Collection method: clinical testing. Allele origin: germline.
Comment: The SAMD9 c.4024G>C variant is predicted to result in the amino acid substitution p.Asp1342His. To our knowledge, this variant has not been reported in the literature or in a large population database (gnomAD), indicating this variant is rare. At this time, the clinical significance of this variant is uncertain due to the absence of conclusive functional and genetic evidence.

Ambry Genetics
Classification: Uncertain significance for Inborn genetic diseases. Last evaluated: 2026-03-11. Review status: criteria provided, single submitter. Criteria: Ambry Variant Classification Scheme 2023. Collection method: clinical testing. Allele origin: germline.
Comment: The p.D1342H variant (also known as c.4024G>C), located in coding exon 1 of the SAMD9 gene, results from a G to C substitution at nucleotide position 4024. The aspartic acid at codon 1342 is replaced by histidine, an amino acid with similar properties. This amino acid position is conserved. In addition, this alteration is predicted to be tolerated by in silico analysis. Based on the available evidence, the clinical significance of this variant remains unclear.

NM_017654.4(SAMD9):c.4024G>C (p.Asp1342His)

Gene: SAMD9 (sterile alpha motif domain containing 9; minus strand). Cytogenetic location: 7q21.2.
Variant type: single nucleotide variant.
Coding change: c.4024G>C on transcript NM_017654.4 (MANE Select); coding-DNA position 4024, G replaced by C.
Protein change: p.Asp1342His; replaces aspartic acid 1342 with histidine.
Molecular consequence: missense variant.
Genome position (GRCh38, 1-based): chr7:93,102,074, C>G on the plus strand (G>C on the coding strand, the complement: SAMD9 is on the minus strand). VCF-style: chr7-93102074-C-G. GRCh37 (hg19) VCF-style: chr7-92731387-C-G.
Other names: c.4024G>C, p.Asp1342His (NM_001193307.2); short protein forms D1342H.
Identifiers: ClinVar variation 4827026 (VCV004827026.2).